The following is an entry in ClinVar:

ClinVar aggregate classification (germline): Uncertain significance. Review status: criteria provided, multiple submitters, no conflicts (2 of 4 stars). 3 submissions from 3 submitters: Uncertain significance (3). Last evaluated 2025-06-18.

Conditions:
Autosomal recessive ataxia, Beauce type. Also called: Spinocerebellar ataxia, autosomal recessive 8; ATAXIA, RECESSIVE, OF BEAUCE; SYNE1 Deficiency; SYNE1-Related Autosomal Recessive Cerebellar Ataxia. Identifiers: Orphanet 88644, MedGen C1853116, MONDO:0012549, OMIM 610743.
Emery-Dreifuss muscular dystrophy 4, autosomal dominant (EDMD4). Also called: EMERY-DREIFUSS MUSCULAR DYSTROPHY 4 WITH VARIABLE FEATURES. Identifiers: Orphanet 261, MedGen C2751807, MONDO:0013071, OMIM 612998.

Allele frequency attached by ClinVar (database versions not stated): TOPMed 0.00002; gnomAD exomes 0.00003 and 0.00005; ExAC 0.00004.
gnomAD v4.1: 46 of 1,614,212 alleles (0.0028%); highest among the groups gnomAD compares: East Asian, 0.091%; no homozygotes.

Submissions (3):

Athena Diagnostics
Classification: Uncertain significance. Last evaluated: 2025-06-18. Review status: criteria provided, single submitter. Criteria: Athena Diagnostics Criteria. Collection method: clinical testing. Allele origin: unknown.
Comment: Available data are insufficient to determine the clinical significance of the variant at this time. The frequency of this variant in the general population is higher than would generally be expected for pathogenic variants in this gene. Polyphen and MutationTaster predict this amino acid change may be benign.

Labcorp Genetics (formerly Invitae), Labcorp
Classification: Uncertain significance for Emery-Dreifuss muscular dystrophy 4, autosomal dominant; Autosomal recessive ataxia, Beauce type. Last evaluated: 2024-12-02. Review status: criteria provided, single submitter. Criteria: Invitae Variant Classification Sherloc (09022015). Collection method: clinical testing. Allele origin: germline.
Comment: This sequence change replaces asparagine, which is neutral and polar, with serine, which is neutral and polar, at codon 5452 of the SYNE1 protein (p.Asn5452Ser). This variant is present in population databases (rs773901491, gnomAD 0.05%). This variant has not been reported in the literature in individuals affected with SYNE1-related conditions. ClinVar contains an entry for this variant (Variation ID: 285675). An algorithm developed to predict the effect of missense changes on protein structure and function outputs the following: PolyPhen-2: "Benign". The serine amino acid residue is found in multiple mammalian species, which suggests that this missense change does not adversely affect protein function. In summary, the available evidence is currently insufficient to determine the role of this variant in disease. Therefore, it has been classified as a Variant of Uncertain Significance.

Eurofins Ntd Llc (ga)
Classification: Uncertain significance. Last evaluated: 2017-06-06. Review status: criteria provided, single submitter. Criteria: EGL Classification Definitions 2015. Collection method: clinical testing. Allele origin: germline. Observed: 2 variant alleles, 2 heterozygotes.

NM_182961.4(SYNE1):c.16568A>G (p.Asn5523Ser)

Gene: SYNE1 (spectrin repeat containing nuclear envelope protein 1; minus strand). Cytogenetic location: 6q25.2.
Variant type: single nucleotide variant.
Coding change: c.16568A>G on transcript NM_182961.4 (MANE Select); coding-DNA position 16568, A replaced by G.
Protein change: p.Asn5523Ser; replaces asparagine 5523 with serine.
Molecular consequence: missense variant.
Genome position (GRCh38, 1-based): chr6:152,318,085, T>C on the plus strand (A>G on the coding strand, the complement: SYNE1 is on the minus strand). VCF-style: chr6-152318085-T-C. GRCh37 (hg19) VCF-style: chr6-152639220-T-C.
Other names: c.16355A>G, p.Asn5452Ser (NM_033071.5); short protein forms N5452S, N5523S.
Identifiers: ClinVar variation 285675 (VCV000285675.14), dbSNP rs773901491, ClinGen allele CA4055493.